The following is an entry in ClinVar:

ClinVar aggregate classification (germline): Uncertain significance. Review status: criteria provided, multiple submitters, no conflicts (2 of 4 stars). 2 submissions from 2 submitters: Uncertain significance (2). Last evaluated 2022-04-06.

Conditions:
Inborn genetic diseases. Identifiers: MedGen C0950123, MeSH D030342.

Allele frequency attached by ClinVar (database versions not stated): gnomAD 0.00007; ExAC 0.00008.
gnomAD v4.1: 40 of 1,519,232 alleles (0.0026%); highest among the groups gnomAD compares: African/African-American, 0.013%; no homozygotes.

Submissions (2):

Ambry Genetics
Classification: Uncertain significance for Inborn genetic diseases. Last evaluated: 2022-04-06. Review status: criteria provided, single submitter. Criteria: Ambry Variant Classification Scheme 2023. Collection method: clinical testing. Allele origin: germline.

Labcorp Genetics (formerly Invitae), Labcorp
Classification: Uncertain significance. Last evaluated: 2021-12-10. Review status: criteria provided, single submitter. Criteria: Invitae Variant Classification Sherloc (09022015). Collection method: clinical testing. Allele origin: germline.
Comment: In summary, the available evidence is currently insufficient to determine the role of this variant in disease. Therefore, it has been classified as a Variant of Uncertain Significance. Algorithms developed to predict the effect of missense changes on protein structure and function output the following: SIFT: "Tolerated"; PolyPhen-2: "Possibly Damaging"; Align-GVGD: "Class C0". The histidine amino acid residue is found in multiple mammalian species, which suggests that this missense change does not adversely affect protein function. This variant has not been reported in the literature in individuals affected with LAMA5-related conditions. This variant is present in population databases (rs778606957, gnomAD 0.03%). This sequence change replaces arginine, which is basic and polar, with histidine, which is basic and polar, at codon 1066 of the LAMA5 protein (p.Arg1066His).

NM_005560.6(LAMA5):c.3197G>A (p.Arg1066His)

Gene: LAMA5 (laminin subunit alpha 5; minus strand). Cytogenetic location: 20q13.33.
Variant type: single nucleotide variant.
Coding change: c.3197G>A on transcript NM_005560.6 (MANE Select); coding-DNA position 3197, G replaced by A.
Protein change: p.Arg1066His; replaces arginine 1066 with histidine.
Molecular consequence: missense variant.
Genome position (GRCh38, 1-based): chr20:62,333,175, C>T on the plus strand (G>A on the coding strand, the complement: LAMA5 is on the minus strand). VCF-style: chr20-62333175-C-T. GRCh37 (hg19) VCF-style: chr20-60908231-C-T.
Other names: c.3197G>A (NM_005560.3); short protein forms R1066H.
Identifiers: ClinVar variation 1524513 (VCV001524513.7), dbSNP rs778606957, ClinGen allele CA9943109.